The following is an entry in ClinVar:

NM_001128431.4(SLC39A14):c.1423G>C (p.Gly475Arg)

Gene: SLC39A14 (solute carrier family 39 member 14; plus strand). Cytogenetic location: 8p21.3.
Variant type: single nucleotide variant.
Coding change: c.1423G>C on transcript NM_001128431.4 (MANE Select); coding-DNA position 1423, G replaced by C.
Protein change: p.Gly475Arg; replaces glycine 475 with arginine.
Molecular consequence: missense variant. On other transcripts: intron variant (1).
Genome position (GRCh38, 1-based): chr8:22,419,642, G>C. VCF-style: chr8-22419642-G-C. GRCh37 (hg19) VCF-style: chr8-22277155-G-C.
Other names: c.1423G>C, p.Gly475Arg (NM_001135153.3, NM_001351655.2, NM_001351656.2 and 2 more transcripts); c.1453G>C, p.Gly485Arg (NM_001351657.2, NM_001351658.2, NM_001351659.2); c.1332+1807G>C (NM_001135154.3); short protein forms G475R, G485R.
Identifiers: ClinVar variation 2832928 (VCV002832928.3), dbSNP rs2487193750, ClinGen allele CA370536384.

ClinVar aggregate classification (germline): Uncertain significance (1 of 4 stars; one submission).

Submission:

Labcorp Genetics (formerly Invitae), Labcorp
Classification: Uncertain significance. Last evaluated: 2025-08-08. Review status: criteria provided, single submitter. Criteria: Invitae Variant Classification Sherloc (09022015). Collection method: clinical testing. Allele origin: germline.
Comment: This sequence change replaces glycine, which is neutral and non-polar, with arginine, which is basic and polar, at codon 475 of the SLC39A14 protein (p.Gly475Arg). This variant is not present in population databases (gnomAD no frequency). This variant has not been reported in the literature in individuals affected with SLC39A14-related conditions. ClinVar contains an entry for this variant (Variation ID: 2832928). An algorithm developed to predict the effect of missense changes on protein structure and function (PolyPhen-2) suggests that this variant is likely to be disruptive. In summary, the available evidence is currently insufficient to determine the role of this variant in disease. Therefore, it has been classified as a Variant of Uncertain Significance.